The following is an entry in ClinVar:

NM_182931.3(KMT2E):c.3165G>A (p.Ser1055=)

Gene: KMT2E (lysine methyltransferase 2E (inactive); plus strand). Cytogenetic location: 7q22.3.
Variant type: single nucleotide variant.
Coding change: c.3165G>A on transcript NM_182931.3 (MANE Select); coding-DNA position 3165, G replaced by A.
Protein change: p.Ser1055=; no amino-acid change (serine 1055 retained).
Molecular consequence: synonymous variant.
Genome position (GRCh38, 1-based): chr7:105,107,622, G>A. VCF-style: chr7-105107622-G-A. GRCh37 (hg19) VCF-style: chr7-104748069-G-A.
Other names: c.3165G>A, p.Ser1055= (NM_001410908.1, NM_018682.4).
Identifiers: ClinVar variation 2167418 (VCV002167418.26), dbSNP rs753691080, ClinGen allele CA4424421.
Genomic context (GRCh38, chr7:105,107,622, plus strand): 5'-ACATAAAACCCTGGAAACGCCTGCACATGACAGGGCTGAGCCCAACAGCCAACTGGACTC[G>A]ACTCACTCTGGACGGGGCACAATGTATTCTTCCTGGGTAAAGAGCCCTGACAGAACAGGA-3'
Protein context (NP_891847.1, residues 1045-1065): DRAEPNSQLD[Ser1055=]THSGRGTMYS

ClinVar aggregate classification (germline): Likely benign. Review status: criteria provided, multiple submitters, no conflicts (2 of 4 stars). 2 submissions from 2 submitters: Likely benign (2). Last evaluated 2024-02-01.

Allele frequency attached by ClinVar (database versions not stated): gnomAD 0.00001; ExAC 0.00002; gnomAD exomes 0.00002.
gnomAD v4.1: 33 of 1,613,984 alleles (0.002%); highest among the groups gnomAD compares: South Asian, 0.021%; no homozygotes.

Submissions (2):

CeGaT Center for Human Genetics Tuebingen
Classification: Likely benign. Last evaluated: 2024-02-01. Review status: criteria provided, single submitter. Criteria: CeGaT Center For Human Genetics Tuebingen Variant Classification Criteria Version 2. Collection method: clinical testing. Allele origin: germline. Affected: yes. Observed: 1 variant allele.
Comment: KMT2E: BP4, BP7

Labcorp Genetics (formerly Invitae), Labcorp
Classification: Likely benign. Last evaluated: 2023-01-21. Review status: criteria provided, single submitter. Criteria: Invitae Variant Classification Sherloc (09022015). Collection method: clinical testing. Allele origin: germline.